The following is an entry in ClinVar:

NM_002335.4(LRP5):c.1139A>G (p.Tyr380Cys)

Gene: LRP5 (LDL receptor related protein 5; plus strand). Cytogenetic location: 11q13.2.
Variant type: single nucleotide variant.
Coding change: c.1139A>G on transcript NM_002335.4 (MANE Select); coding-DNA position 1139, A replaced by G.
Protein change: p.Tyr380Cys; replaces tyrosine 380 with cysteine.
Molecular consequence: missense variant. On other transcripts: 5 prime UTR variant (1).
Genome position (GRCh38, 1-based): chr11:68,386,439, A>G. VCF-style: chr11-68386439-A-G. GRCh37 (hg19) VCF-style: chr11-68153907-A-G.
Other names: c.-627A>G (NM_001291902.2); short protein forms Y380C.
Identifiers: ClinVar variation 1440793 (VCV001440793.8), dbSNP rs2153153125, ClinGen allele CA381612314.

ClinVar aggregate classification (germline): Uncertain significance (1 of 4 stars; one submission).

Submission:

Labcorp Genetics (formerly Invitae), Labcorp
Classification: Uncertain significance. Last evaluated: 2022-08-31. Review status: criteria provided, single submitter. Criteria: Invitae Variant Classification Sherloc (09022015). Collection method: clinical testing. Allele origin: germline.
Comment: This variant has not been reported in the literature in individuals affected with LRP5-related conditions. In summary, the available evidence is currently insufficient to determine the role of this variant in disease. Therefore, it has been classified as a Variant of Uncertain Significance. Advanced modeling of protein sequence and biophysical properties (such as structural, functional, and spatial information, amino acid conservation, physicochemical variation, residue mobility, and thermodynamic stability) performed at Invitae indicates that this missense variant is expected to disrupt LRP5 protein function. ClinVar contains an entry for this variant (Variation ID: 1440793). This variant is not present in population databases (gnomAD no frequency). This sequence change replaces tyrosine, which is neutral and polar, with cysteine, which is neutral and slightly polar, at codon 380 of the LRP5 protein (p.Tyr380Cys).